The following is an entry in ClinVar:

NM_006859.4(LIAS):c.17G>A (p.Gly6Glu)

Genes: LIAS (lipoic acid synthetase; plus strand), LOC112939935 (Sharpr-MPRA regulatory region 11886; plus strand). Cytogenetic location: 4p14.
Variant type: single nucleotide variant.
Coding change: c.17G>A on transcript NM_006859.4 (MANE Select); coding-DNA position 17, G replaced by A.
Protein change: p.Gly6Glu; replaces glycine 6 with glutamic acid.
Molecular consequence: missense variant.
Genome position (GRCh38, 1-based): chr4:39,459,134, G>A. VCF-style: chr4-39459134-G-A. GRCh37 (hg19) VCF-style: chr4-39460754-G-A.
Other names: c.17G>A, p.Gly6Glu (NM_001278590.2, NM_001278591.2, NM_001278592.2 and 2 more transcripts); short protein forms G6E.
Identifiers: ClinVar variation 1524002 (VCV001524002.5), dbSNP rs1744293519, ClinGen allele CA356663484.
Genomic context (GRCh38, chr4:39,459,134, plus strand): 5'-TAGCGATCCCTCAACCCCTGCACTGCGCTAGTCCTAAAGAGGAAATGTCTCTACGCTGCG[G>A]GGATGCAGCCCGCACCCTGGGGCCCCGGGTGAGCGGCGGGGCGAACGGGTTTGGGCGTGG-3'
Protein context (NP_006850.2, residues 1-16): MSLRC[Gly6Glu]DAARTLGPRV

ClinVar aggregate classification (germline): Uncertain significance (1 of 4 stars; one submission).

Conditions:
Lipoic acid synthetase deficiency. Also called: HYPERGLYCINEMIA, LACTIC ACIDOSIS, AND SEIZURES. Identifiers: Orphanet 401859, MedGen C3280887, MONDO:0013762, OMIM 614462.

Allele frequency attached by ClinVar (database versions not stated): TOPMed below 0.00001.
gnomAD v4.1: 29 of 1,613,960 alleles (0.0018%); highest among the groups gnomAD compares: Non-Finnish European, 0.0025%; no homozygotes.

Submission:

Labcorp Genetics (formerly Invitae), Labcorp
Classification: Uncertain significance for Lipoic acid synthetase deficiency. Last evaluated: 2022-05-27. Review status: criteria provided, single submitter. Criteria: Invitae Variant Classification Sherloc (09022015). Collection method: clinical testing. Allele origin: germline.
Comment: This sequence change replaces glycine, which is neutral and non-polar, with glutamic acid, which is acidic and polar, at codon 6 of the LIAS protein (p.Gly6Glu). This variant is not present in population databases (gnomAD no frequency). This variant has not been reported in the literature in individuals affected with LIAS-related conditions. Algorithms developed to predict the effect of missense changes on protein structure and function (SIFT, PolyPhen-2, Align-GVGD) all suggest that this variant is likely to be tolerated. Algorithms developed to predict the effect of sequence changes on RNA splicing suggest that this variant may create or strengthen a splice site. In summary, the available evidence is currently insufficient to determine the role of this variant in disease. Therefore, it has been classified as a Variant of Uncertain Significance.